The following is an entry in ClinVar:

NM_013275.6(ANKRD11):c.507G>T (p.Glu169Asp)

Gene: ANKRD11 (ankyrin repeat domain 11; minus strand). Cytogenetic location: 16q24.3.
Variant type: single nucleotide variant.
Coding change: c.507G>T on transcript NM_013275.6 (MANE Select); coding-DNA position 507, G replaced by T.
Protein change: p.Glu169Asp; replaces glutamic acid 169 with aspartic acid.
Molecular consequence: missense variant. On other transcripts: non-coding transcript variant (1).
Genome position (GRCh38, 1-based): chr16:89,290,719, C>A on the plus strand (G>T on the coding strand, the complement: ANKRD11 is on the minus strand). VCF-style: chr16-89290719-C-A. GRCh37 (hg19) VCF-style: chr16-89357127-C-A.
Other names: c.507G>T, p.Glu169Asp (NM_001256182.2, NM_001256183.2); short protein forms E169D.
Identifiers: ClinVar variation 4887373 (VCV004887373.1).

ClinVar aggregate classification (germline): Uncertain significance (1 of 4 stars; one submission).

Submission:

Women's Health and Genetics/Laboratory Corporation of America, LabCorp
Classification: Uncertain significance. Last evaluated: 2026-06-10. Review status: criteria provided, single submitter. Criteria: LabCorp Variant Classification Summary - May 2015. Collection method: clinical testing. Allele origin: germline.
Comment: Variant summary: ANKRD11 c.507G>T (p.Glu169Asp) results in a conservative amino acid change in the encoded protein sequence. Algorithms developed to predict the effect of missense changes on protein structure and function are either unavailable or do not agree on the potential impact of this missense change. The frequency data for this variant in gnomAD is considered unreliable, as metrics indicate poor data quality at this position. To our knowledge, no occurrence of c.507G>T in individuals affected with ANKRD11-related conditions and no experimental evidence demonstrating its impact on protein function have been reported. No submitters have cited clinical-significance assessments for this variant to ClinVar. Based on the evidence outlined above, the variant was classified as uncertain significance.